The following is an entry in ClinVar:

NM_001377.3(DYNC2H1):c.8833-3T>C

Gene: DYNC2H1 (dynein cytoplasmic 2 heavy chain 1; plus strand). Cytogenetic location: 11q22.3.
Variant type: single nucleotide variant.
Coding change: c.8833-3T>C on transcript NM_001377.3 (MANE Select); 3 bases into the intron before coding-DNA position 8833, T replaced by C.
Molecular consequence: intron variant.
Genome position (GRCh38, 1-based): chr11:103,219,912, T>C. VCF-style: chr11-103219912-T-C. GRCh37 (hg19) VCF-style: chr11-103090641-T-C.
Other names: c.8833-3T>C (NM_001080463.2).
Identifiers: ClinVar variation 302075 (VCV000302075.15), dbSNP rs551227065, ClinGen allele CA6254552.

ClinVar aggregate classification (germline): Conflicting classifications of pathogenicity. Review status: criteria provided, conflicting classifications (1 of 4 stars). 3 submissions from 3 submitters: Uncertain significance (1); Likely benign (2). Last evaluated 2026-01-19.

Conditions:
Jeune thoracic dystrophy. Also called: Infantile thoracic dystrophy; Thoracic pelvic phalangeal dystrophy; Jeune's syndrome; Chondroectodermal dysplasia-like syndrome; Short-rib thoracic dysplasia; Jeune syndrome. Identifiers: Orphanet 474, MedGen C0265275, MONDO:0018770.
Asphyxiating thoracic dystrophy 3. Also called: SHORT-RIB THORACIC DYSPLASIA 3 WITH OR WITHOUT POLYDACTYLY; POLYDACTYLY WITH NEONATAL CHONDRODYSTROPHY, TYPE I; SHORT-RIB THORACIC DYSPLASIA 3/6 WITH POLYDACTYLY, DIGENIC; Short rib polydactyly syndrome 2B; Saldino-Noonan Syndrome. Identifiers: Orphanet 474, Orphanet 93269, Orphanet 93270, Orphanet 93271, MedGen C0036069, MONDO:0013127, OMIM 613091.

Allele frequency attached by ClinVar (database versions not stated): gnomAD exomes 0.00006 and 0.00023; gnomAD 0.00009 and 0.00013; TOPMed 0.00016; ExAC 0.00037; 1000 Genomes Project 0.00060; 1000 Genomes Project 30x 0.00062.
gnomAD v4.1: 99 of 1,495,656 alleles (0.0066%); highest among the groups gnomAD compares: East Asian, 0.23%; no homozygotes.

Submissions (3):

Labcorp Genetics (formerly Invitae), Labcorp
Classification: Likely benign for Jeune thoracic dystrophy. Last evaluated: 2026-01-19. Review status: criteria provided, single submitter. Criteria: Invitae Variant Classification Sherloc (09022015). Collection method: clinical testing. Allele origin: germline.

Blueprint Genetics
Classification: Likely benign. Last evaluated: 2024-04-23. Review status: criteria provided, single submitter. Criteria: ACMG Guidelines, 2015. Collection method: clinical testing. Allele origin: germline.

Victorian Clinical Genetics Services, Murdoch Childrens Research Institute
Classification: Uncertain significance for Asphyxiating thoracic dystrophy 3. Last evaluated: 2022-06-24. Review status: criteria provided, single submitter. Criteria: ACMG Guidelines, 2015. Collection method: clinical testing. Allele origin: germline. Inheritance: Autosomal recessive inheritance. Affected: yes.
Comment: Based on the classification scheme VCGS_Germline_v1.3.4, this variant is classified as VUS-3C. Following criteria are met: 0102 - Loss of function is a known mechanism of disease in this gene and is associated with short-rib thoracic dysplasia 3 with or without polydactyly (MIM#613091). (I) 0106 - This gene is associated with autosomal recessive disease. (I) 0212 - Non-canonical splice site variant without proven consequence on splicing (no functional evidence available). (SP) 0251 - This variant is heterozygous. (I) 0304 - Variant is present in gnomAD (v2) <0.01 for a recessive condition (38 heterozygotes, 0 homozygotes). (SP) 0508 - In silico predictions for abnormal splicing are conflicting. (I) 0705 - No comparable splice site variants have previous evidence for pathogenicity. (I) 0808 - Previous reports of pathogenicity for this variant are conflicting. This variant has been classified as a VUS by two clinical laboratories in ClinVar and as likely benign by another. (I) 0905 - No published segregation evidence has been identified for this variant. (I) 1007 - No published functional evidence has been identified for this variant. (I) Legend: (SP) - Supporting pathogenic, (I) - Information, (SB) - Supporting benign